The following is an entry in ClinVar:

NM_001999.4(FBN2):c.7112C>G (p.Ser2371Ter)

Gene: FBN2 (fibrillin 2; minus strand). Cytogenetic location: 5q23.3.
Variant type: single nucleotide variant.
Coding change: c.7112C>G on transcript NM_001999.4 (MANE Select); coding-DNA position 7112, C replaced by G.
Protein change: p.Ser2371Ter; replaces serine 2371 with a stop codon.
Molecular consequence: nonsense.
Genome position (GRCh38, 1-based): chr5:128,280,218, G>C on the plus strand (C>G on the coding strand, the complement: FBN2 is on the minus strand). VCF-style: chr5-128280218-G-C. GRCh37 (hg19) VCF-style: chr5-127615910-G-C.
Other names: short protein forms S2371*.
Identifiers: ClinVar variation 519830 (VCV000519830.7), dbSNP rs1461140915, ClinGen allele CA360757595.

ClinVar aggregate classification (germline): Uncertain significance. Review status: criteria provided, multiple submitters, no conflicts (2 of 4 stars). 2 submissions from 2 submitters: Uncertain significance (2). Last evaluated 2019-08-05.

Conditions:
Familial thoracic aortic aneurysm and aortic dissection (TAAD). Also called: Thoracic aortic aneurysms and dissections. Identifiers: Orphanet 91387, MedGen C4707243, MONDO:0019625.

Submissions (2):

GeneDx
Classification: Uncertain significance. Last evaluated: 2019-08-05. Review status: criteria provided, single submitter. Criteria: GeneDx Variant Classification Process June 2021. Collection method: clinical testing. Allele origin: germline. Affected: yes.
Comment: Has not been previously published as pathogenic or benign to our knowledge; Not observed in large population cohorts (Lek et al., 2016); Nonsense variant predicted to result in protein truncation or nonsense mediated decay in a gene for which loss-of-function is not a known mechanism of disease; Reported in ClinVar but additional evidence is not available (ClinVar Variant ID# 519830; Landrum et al., 2016); This variant is associated with the following publications: (PMID: 24833718, 15121784, 25046119, 18767143, 11754102)

Ambry Genetics
Classification: Uncertain significance for Familial thoracic aortic aneurysm and aortic dissection. Last evaluated: 2016-10-31. Review status: criteria provided, single submitter. Criteria: Ambry Variant Classification Scheme 2023. Collection method: clinical testing. Allele origin: germline.
Comment: The p.S2371* variant (also known as c.7112C>G), located in coding exon 56 of the FBN2 gene, results from a C to G substitution at nucleotide position 7112. This changes the amino acid from a serine to a stop codon within coding exon 56. This variant was not reported in population based cohorts in the following databases: Database of Single Nucleotide Polymorphisms (dbSNP), ExAC, NHLBI Exome Sequencing Project (ESP), and 1000 Genomes Project. In the ESP, this variant was not observed in 6503 samples (13006 alleles) with coverage at this position. This alteration is expected to result in loss of function by premature protein truncation or nonsense-mediated mRNA decay. While one other nonsense mutation has been reported in HGMD in association with congenital contractural arachnodactyly, most mutations reported to date are either missense substitutions or splice variants that result in in-frame exon deletion. Therefore, loss of function of FBN2 has not been clearly established as a mechanism of disease. Since supporting evidence is limited at this time, the clinical significance of this alteration remains unclear.